The following is an entry in ClinVar:

NM_002180.3(IGHMBP2):c.2785-3C>T

Gene: IGHMBP2 (immunoglobulin mu DNA binding protein 2; plus strand). Cytogenetic location: 11q13.3.
Variant type: single nucleotide variant.
Coding change: c.2785-3C>T on transcript NM_002180.3 (MANE Select); 3 bases into the intron before coding-DNA position 2785, C replaced by T.
Molecular consequence: intron variant.
Genome position (GRCh38, 1-based): chr11:68,939,531, C>T. VCF-style: chr11-68939531-C-T. GRCh37 (hg19) VCF-style: chr11-68706999-C-T.
Identifiers: ClinVar variation 1497253 (VCV001497253.3), dbSNP rs1859669997, ClinGen allele CA2573147557.

ClinVar aggregate classification (germline): Uncertain significance (1 of 4 stars; one submission).

Conditions:
Charcot-Marie-Tooth disease axonal type 2S. Also called: CHARCOT-MARIE-TOOTH NEUROPATHY, TYPE 2S; CHARCOT-MARIE-TOOTH DISEASE, AXONAL, AUTOSOMAL RECESSIVE, TYPE 2S. Identifiers: Orphanet 443073, MedGen C4015349, MONDO:0014511, OMIM 616155.
Autosomal recessive distal spinal muscular atrophy 1. Also called: HMN VI; SPINAL MUSCULAR ATROPHY, DIAPHRAGMATIC; Spinal muscular atrophy with respiratory distress 1; NEURONOPATHY, DISTAL HEREDITARY MOTOR, HARDING TYPE VI; NEUROPATHY, DISTAL HEREDITARY MOTOR, AUTOSOMAL RECESSIVE 1; NEURONOPATHY, SEVERE INFANTILE AXONAL, WITH RESPIRATORY FAILURE. Identifiers: Orphanet 98920, MedGen C1858517, MONDO:0011436, OMIM 604320.

Submission:

Labcorp Genetics (formerly Invitae), Labcorp
Classification: Uncertain significance for Autosomal recessive distal spinal muscular atrophy 1; Charcot-Marie-Tooth disease axonal type 2S. Last evaluated: 2021-06-23. Review status: criteria provided, single submitter. Criteria: Invitae Variant Classification Sherloc (09022015). Collection method: clinical testing. Allele origin: germline.
Comment: This sequence change falls in intron 14 of the IGHMBP2 gene. It does not directly change the encoded amino acid sequence of the IGHMBP2 protein. It affects a nucleotide within the consensus splice site of the intron. This variant is not present in population databases (ExAC no frequency). This variant has not been reported in the literature in individuals affected with IGHMBP2-related conditions. Nucleotide substitutions within the consensus splice site are a relatively common cause of aberrant splicing (PMID: 17576681, 9536098). Algorithms developed to predict the effect of sequence changes on RNA splicing suggest that this variant is not likely to affect RNA splicing. In summary, the available evidence is currently insufficient to determine the role of this variant in disease. Therefore, it has been classified as a Variant of Uncertain Significance.

Literature cited by the submitters: PubMed 17576681; PubMed 9536098.